The following is an entry in ClinVar:

NM_000057.4(BLM):c.1732A>T (p.Lys578Ter)

Gene: BLM (BLM RecQ like helicase; plus strand). Cytogenetic location: 15q26.1.
Variant type: single nucleotide variant.
Coding change: c.1732A>T on transcript NM_000057.4 (MANE Select); coding-DNA position 1732, A replaced by T.
Protein change: p.Lys578Ter; replaces lysine 578 with a stop codon.
Molecular consequence: nonsense.
Genome position (GRCh38, 1-based): chr15:90,761,105, A>T. VCF-style: chr15-90761105-A-T. GRCh37 (hg19) VCF-style: chr15-91304335-A-T.
Other names: c.1732A>T, p.Lys578Ter (NM_001287246.2, NM_001287247.2); c.607A>T, p.Lys203Ter (NM_001287248.2); short protein forms K203*, K578*.
Identifiers: ClinVar variation 1398983 (VCV001398983.6), dbSNP rs2151158869, ClinGen allele CA393843727.

ClinVar aggregate classification (germline): Pathogenic (1 of 4 stars; one submission).

Conditions:
Bloom syndrome (BLM). Also called: Bloom-Torre-Machacek syndrome. Identifiers: Orphanet 125, MedGen C0005859, MONDO:0008876, OMIM 210900.

Submission:

Labcorp Genetics (formerly Invitae), Labcorp
Classification: Pathogenic for Bloom syndrome. Last evaluated: 2021-09-22. Review status: criteria provided, single submitter. Criteria: Invitae Variant Classification Sherloc (09022015). Collection method: clinical testing. Allele origin: germline.
Comment: This variant has not been reported in the literature in individuals affected with BLM-related conditions. This sequence change creates a premature translational stop signal (p.Lys578*) in the BLM gene. It is expected to result in an absent or disrupted protein product. Loss-of-function variants in BLM are known to be pathogenic (PMID: 17407155). This variant is not present in population databases (ExAC no frequency). For these reasons, this variant has been classified as Pathogenic.

Literature cited by the submitters: PubMed 17407155.